The following is an entry in ClinVar:

ClinVar aggregate classification (germline): Uncertain significance (1 of 4 stars; one submission).

Conditions:
Familial thoracic aortic aneurysm and aortic dissection (TAAD). Also called: Thoracic aortic aneurysms and dissections. Identifiers: Orphanet 91387, MedGen C4707243, MONDO:0019625.

Allele frequency attached by ClinVar (database versions not stated): gnomAD exomes 0.00001; ExAC 0.00002; gnomAD 0.00002; TOPMed 0.00003; ESP Exome Variant Server 0.00015.
gnomAD v4.1: 27 of 1,613,472 alleles (0.0017%); highest among the groups gnomAD compares: South Asian, 0.0033%; no homozygotes.

Submission:

Ambry Genetics
Classification: Uncertain significance for Familial thoracic aortic aneurysm and aortic dissection. Last evaluated: 2025-05-18. Review status: criteria provided, single submitter. Criteria: Ambry Variant Classification Scheme 2023. Collection method: clinical testing. Allele origin: germline.
Comment: The p.T35A variant (also known as c.103A>G), located in coding exon 2 of the PLOD1 gene, results from an A to G substitution at nucleotide position 103. The threonine at codon 35 is replaced by alanine, an amino acid with similar properties. This amino acid position is conserved. In addition, the in silico prediction for this alteration is inconclusive. Based on the available evidence, the clinical significance of this variant remains unclear.

NM_000302.4(PLOD1):c.103A>G (p.Thr35Ala)

Gene: PLOD1 (procollagen-lysine,2-oxoglutarate 5-dioxygenase 1; plus strand). Cytogenetic location: 1p36.22.
Variant type: single nucleotide variant.
Coding change: c.103A>G on transcript NM_000302.4 (MANE Select); coding-DNA position 103, A replaced by G.
Protein change: p.Thr35Ala; replaces threonine 35 with alanine.
Molecular consequence: missense variant.
Genome position (GRCh38, 1-based): chr1:11,948,002, A>G. VCF-style: chr1-11948002-A-G. GRCh37 (hg19) VCF-style: chr1-12008059-A-G.
Other names: c.244A>G, p.Thr82Ala (NM_001316320.2); short protein forms T35A, T82A.
Identifiers: ClinVar variation 2276632 (VCV002276632.3), dbSNP rs148997434, ClinGen allele CA597785.
Genomic context (GRCh38, chr1:11,948,002, plus strand): 5'-CATTCCCATTCACCATACCCTCCTCTGTCTGCAGACAACCTTTTAGTCCTCACGGTGGCC[A>G]CTAAGGAGACCGAGGGATTCCGTCGCTTCAAGCGCTCAGCTCAGTTCTTCAACTACAAGA-3'
Protein context (NP_000293.2, residues 25-45): EDNLLVLTVA[Thr35Ala]KETEGFRRFK